The following is an entry in ClinVar:

ClinVar aggregate classification (germline): Uncertain significance (1 of 4 stars; one submission).

Conditions:
Congenital myasthenic syndrome 20. Also called: Myasthenic syndrome, congenital, 20, presynaptic. Identifiers: MedGen C4310694, MONDO:0014939, OMIM 617143.
Neuronopathy, distal hereditary motor, type 7A. Also called: HARPER-YOUNG MYOPATHY; HMN VIIA; SPINAL MUSCULAR ATROPHY, DISTAL, WITH VOCAL CORD PARALYSIS; Neuronopathy, distal hereditary motor, type viia; NEURONOPATHY, DISTAL HEREDITARY MOTOR, HARDING TYPE VIIA; NEUROPATHY, DISTAL HEREDITARY MOTOR, HARDING TYPE VIIA. Identifiers: Orphanet 139589, MedGen C1834703, MONDO:0008024, OMIM 158580.

Submission:

Labcorp Genetics (formerly Invitae), Labcorp
Classification: Uncertain significance for Neuronopathy, distal hereditary motor, type 7A; Congenital myasthenic syndrome 20. Last evaluated: 2021-04-23. Review status: criteria provided, single submitter. Criteria: Invitae Variant Classification Sherloc (09022015). Collection method: clinical testing. Allele origin: germline.
Comment: This sequence change replaces leucine with proline at codon 421 of the SLC5A7 protein (p.Leu421Pro). The leucine residue is highly conserved and there is a moderate physicochemical difference between leucine and proline. In summary, the available evidence is currently insufficient to determine the role of this variant in disease. Therefore, it has been classified as a Variant of Uncertain Significance. Algorithms developed to predict the effect of missense changes on protein structure and function (SIFT, PolyPhen-2, Align-GVGD) all suggest that this variant is likely to be disruptive, but these predictions have not been confirmed by published functional studies and their clinical significance is uncertain. This variant has not been reported in the literature in individuals with SLC5A7-related conditions. This variant is not present in population databases (ExAC no frequency).

NM_021815.5(SLC5A7):c.1262T>C (p.Leu421Pro)

Gene: SLC5A7 (solute carrier family 5 member 7; plus strand). Cytogenetic location: 2q12.3.
Variant type: single nucleotide variant.
Coding change: c.1262T>C on transcript NM_021815.5 (MANE Select); coding-DNA position 1262, T replaced by C.
Protein change: p.Leu421Pro; replaces leucine 421 with proline.
Molecular consequence: missense variant.
Genome position (GRCh38, 1-based): chr2:108,010,380, T>C. VCF-style: chr2-108010380-T-C. GRCh37 (hg19) VCF-style: chr2-108626836-T-C.
Other names: c.1262T>C, p.Leu421Pro (NM_001305005.3); c.947T>C, p.Leu316Pro (NM_001305006.3); c.521T>C, p.Leu174Pro (NM_001305007.3); short protein forms L174P, L316P, L421P.
Identifiers: ClinVar variation 1444484 (VCV001444484.8), dbSNP rs2104383027, ClinGen allele CA348114194.